The following is an entry in ClinVar:

NM_023110.3(FGFR1):c.2187-5C>T

Gene: FGFR1 (fibroblast growth factor receptor 1; minus strand). Cytogenetic location: 8p11.23.
Variant type: single nucleotide variant.
Coding change: c.2187-5C>T on transcript NM_023110.3 (MANE Select); 5 bases into the intron before coding-DNA position 2187, C replaced by T.
Molecular consequence: intron variant.
Genome position (GRCh38, 1-based): chr8:38,414,028, G>A on the plus strand (C>T on the coding strand, the complement: FGFR1 is on the minus strand). VCF-style: chr8-38414028-G-A. GRCh37 (hg19) VCF-style: chr8-38271546-G-A.
Other names: c.2187-5C>T (NM_023110.2); c.1908-5C>T (NM_001354368.2); c.1914-5C>T (NM_001354370.2, NM_023106.3); c.1920-5C>T (NM_023105.3, NM_001174066.2); c.2181-5C>T (NM_001354367.2, NM_015850.4, NM_001174063.2 and 1 more transcripts); c.2157-5C>T (NM_001174064.2); c.2175-5C>T (NM_001354369.2); c.2280-5C>T (NM_001174067.2).
Identifiers: ClinVar variation 1615404 (VCV001615404.12), dbSNP rs770230705, ClinGen allele CA4718144.

ClinVar aggregate classification (germline): Likely benign. Review status: criteria provided, multiple submitters, no conflicts (2 of 4 stars). 4 submissions from 4 submitters: Likely benign (3). 1 of the submissions does not count toward it. Last evaluated 2025-10-06.

Conditions:
Pfeiffer syndrome (ACS5). Also called: ACS V. Identifiers: Orphanet 710, MedGen C0220658, MONDO:0007043, OMIM 101600.
Hypogonadotropic hypogonadism 2 with or without anosmia (HH2). Also called: FGFR1-Related GnRH Deficiency (Kallmann Syndrome 2); HYPOGONADOTROPIC HYPOGONADISM 2 WITHOUT ANOSMIA; HYPOGONADOTROPIC HYPOGONADISM 2 WITH OR WITHOUT ANOSMIA, SUSCEPTIBILITY TO; HYPOGONADOTROPIC HYPOGONADISM 2 WITHOUT ANOSMIA, SUSCEPTIBILITY TO. Identifiers: Orphanet 478, MedGen C1563720, MONDO:0007844, OMIM 147950. Disease mechanism: loss of function.
FGFR1-related disorder. Also called: FGFR1-related disorders; FGFR1-related condition. Identifiers: MedGen CN380097.

Allele frequency attached by ClinVar (database versions not stated): gnomAD 0.00004; gnomAD exomes 0.00007 and 0.00009; ExAC 0.00013.
gnomAD v4.1: 120 of 1,613,786 alleles (0.0074%); highest among the groups gnomAD compares: Non-Finnish European, 0.009%; no homozygotes.

Submissions (4):

Women's Health and Genetics/Laboratory Corporation of America, LabCorp
Classification: Likely benign. Last evaluated: 2025-10-06. Review status: criteria provided, single submitter. Criteria: LabCorp Variant Classification Summary - May 2015. Collection method: clinical testing. Allele origin: germline.
Comment: Variant summary: FGFR1 c.2187-5C>T alters a non-conserved nucleotide located at a position not widely known to affect splicing. Consensus agreement among computation tools predict no significant impact on normal splicing. However, these predictions have yet to be confirmed by functional studies. The variant allele was found at a frequency of 8.8e-05 in 249950 control chromosomes. This frequency is not significantly higher than estimated for disease-causing variants in FGFR1, allowing no conclusion about variant significance. To our knowledge, no occurrence of c.2187-5C>T in individuals affected with FGFR1-related conditions and no experimental evidence demonstrating its impact on protein function have been reported. ClinVar contains an entry for this variant (Variation ID: 1615404). Based on the evidence outlined above, the variant was classified as likely benign.

Labcorp Genetics (formerly Invitae), Labcorp
Classification: Likely benign for Pfeiffer syndrome; Hypogonadotropic hypogonadism 2 with or without anosmia. Last evaluated: 2025-04-22. Review status: criteria provided, single submitter. Criteria: Invitae Variant Classification Sherloc (09022015). Collection method: clinical testing. Allele origin: germline.

Blueprint Genetics
Classification: Likely benign. Last evaluated: 2024-07-19. Review status: criteria provided, single submitter. Criteria: ACMG Guidelines, 2015. Collection method: clinical testing. Allele origin: germline.

PreventionGenetics, part of Exact Sciences
Classification: Likely benign for FGFR1-related condition. Last evaluated: 2020-01-29. Review status: no assertion criteria provided. Collection method: clinical testing. Allele origin: germline. Not counted in ClinVar's aggregate classification.
Comment: This variant is classified as likely benign based on ACMG/AMP sequence variant interpretation guidelines (Richards et al. 2015 PMID: 25741868, with internal and published modifications).